The following is an entry in ClinVar:

ClinVar aggregate classification (germline): Uncertain significance (1 of 4 stars; one submission).

gnomAD v4.1: 1 of 1,614,132 alleles (0.000062%); highest among the groups gnomAD compares: Non-Finnish European, 0.000085%; no homozygotes.

Submission:

Dasa
Classification: Uncertain significance. Last evaluated: 2025-08-05. Review status: criteria provided, single submitter. Criteria: DASA Assertion Criteria. Collection method: clinical testing. Allele origin: germline.
Comment: NM_006946.4(SPTBN2):c.116C>T (p.Ser39Leu) is a missense variant that results in the substitution of serine with leucine. This variant is rare in population databases. The currently available literature and clinical evidence are not sufficient to establish a definitive association between this variant and the reported condition. Therefore, this variant is classified as a variant of uncertain significance.

NM_006946.4(SPTBN2):c.116C>T (p.Ser39Leu)

Gene: SPTBN2 (spectrin beta, non-erythrocytic 2; minus strand). Cytogenetic location: 11q13.2.
Variant type: single nucleotide variant.
Coding change: c.116C>T on transcript NM_006946.4 (MANE Select); coding-DNA position 116, C replaced by T.
Protein change: p.Ser39Leu; replaces serine 39 with leucine.
Molecular consequence: missense variant.
Genome position (GRCh38, 1-based): chr11:66,721,125, G>A on the plus strand (C>T on the coding strand, the complement: SPTBN2 is on the minus strand). VCF-style: chr11-66721125-G-A. GRCh37 (hg19) VCF-style: chr11-66488596-G-A.
Other names: c.116C>T, p.Ser39Leu (NM_001437541.1); short protein forms S39L.
Identifiers: ClinVar variation 5020900 (VCV005020900.1).